The following is an entry in ClinVar:

ClinVar aggregate classification (germline): Uncertain significance (1 of 4 stars; one submission).

Allele frequency attached by ClinVar (database versions not stated): TOPMed below 0.00001; gnomAD 0.00001.
gnomAD v4.1: 2 of 1,553,596 alleles (0.00013%); highest among the groups gnomAD compares: South Asian, 0.0012%; no homozygotes.

Submission:

GeneDx
Classification: Uncertain significance. Last evaluated: 2022-08-05. Review status: criteria provided, single submitter. Criteria: GeneDx Variant Classification Process June 2021. Collection method: clinical testing. Allele origin: germline. Affected: yes.
Comment: Has not been previously published as pathogenic or benign to our knowledge; Not observed at significant frequency in large population cohorts (gnomAD); In silico analysis supports that this missense variant does not alter protein structure/function

NM_001852.4(COL9A2):c.290T>A (p.Ile97Asn)

Gene: COL9A2 (collagen type IX alpha 2 chain; minus strand). Cytogenetic location: 1p34.2.
Variant type: single nucleotide variant.
Coding change: c.290T>A on transcript NM_001852.4 (MANE Select); coding-DNA position 290, T replaced by A.
Protein change: p.Ile97Asn; replaces isoleucine 97 with asparagine.
Molecular consequence: missense variant.
Genome position (GRCh38, 1-based): chr1:40,312,744, A>T on the plus strand (T>A on the coding strand, the complement: COL9A2 is on the minus strand). VCF-style: chr1-40312744-A-T. GRCh37 (hg19) VCF-style: chr1-40778416-A-T.
Other names: short protein forms I97N.
Identifiers: ClinVar variation 2428798 (VCV002428798.3), dbSNP rs1178931508, ClinGen allele CA339857399.
Genomic context (GRCh38, chr1:40,312,744, plus strand): 5'-ACGCTGGCCCTAGATTGCCCACGCTGAGGCCCCAGCAGGCCCCTTACCTTGACTCCAGGG[A>T]TCCCCATGGGGCCAGGCTCCCCCTTGGCTCCAGTTAAACCCTGGGGAAGAATGAAAATGT-3'
Protein context (NP_001843.1, residues 87-107): GAKGEPGPMG[Ile97Asn]PGVKGQPGLP